The following is an entry in ClinVar:

ClinVar aggregate classification (germline): Uncertain significance. Review status: criteria provided, multiple submitters, no conflicts (2 of 4 stars). 2 submissions from 2 submitters: Uncertain significance (2). Last evaluated 2024-07-05.

Conditions:
Gorlin syndrome. Also called: Basal cell nevus syndrome; Nevoid Basal Cell Carcinoma Syndrome. Identifiers: Orphanet 377, MedGen C0004779, MONDO:0007187.
Hereditary cancer-predisposing syndrome. Also called: Hereditary Cancer Syndrome; Hereditary neoplastic syndrome; Neoplastic Syndromes, Hereditary; Tumor predisposition. Identifiers: Orphanet 140162, MedGen C0027672, MeSH D009386, MONDO:0015356.

Allele frequency attached by ClinVar (database versions not stated): TOPMed below 0.00001.

Submissions (2):

Ambry Genetics
Classification: Uncertain significance for Hereditary cancer-predisposing syndrome. Last evaluated: 2024-07-05. Review status: criteria provided, single submitter. Criteria: Ambry Variant Classification Scheme 2023. Collection method: clinical testing. Allele origin: germline.
Comment: The p.A966G variant (also known as c.2897C>G), located in coding exon 18 of the PTCH1 gene, results from a C to G substitution at nucleotide position 2897. The alanine at codon 966 is replaced by glycine, an amino acid with similar properties. This amino acid position is conserved. In addition, this alteration is predicted to be deleterious by in silico analysis. Based on the available evidence, the clinical significance of this variant remains unclear.

Labcorp Genetics (formerly Invitae), Labcorp
Classification: Uncertain significance for Gorlin syndrome. Last evaluated: 2023-03-20. Review status: criteria provided, single submitter. Criteria: Invitae Variant Classification Sherloc (09022015). Collection method: clinical testing. Allele origin: germline.
Comment: Advanced modeling of protein sequence and biophysical properties (such as structural, functional, and spatial information, amino acid conservation, physicochemical variation, residue mobility, and thermodynamic stability) performed at Invitae indicates that this missense variant is not expected to disrupt PTCH1 protein function. This sequence change replaces alanine, which is neutral and non-polar, with glycine, which is neutral and non-polar, at codon 966 of the PTCH1 protein (p.Ala966Gly). This variant is not present in population databases (gnomAD no frequency). This variant has not been reported in the literature in individuals affected with PTCH1-related conditions. ClinVar contains an entry for this variant (Variation ID: 1720752). In summary, the available evidence is currently insufficient to determine the role of this variant in disease. Therefore, it has been classified as a Variant of Uncertain Significance.

NM_000264.5(PTCH1):c.2897C>G (p.Ala966Gly)

Gene: PTCH1 (patched 1; minus strand). Cytogenetic location: 9q22.32.
Variant type: single nucleotide variant.
Coding change: c.2897C>G on transcript NM_000264.5 (MANE Select); coding-DNA position 2897, C replaced by G.
Protein change: p.Ala966Gly; replaces alanine 966 with glycine.
Molecular consequence: missense variant. On other transcripts: non-coding transcript variant (1).
Genome position (GRCh38, 1-based): chr9:95,458,284, G>C on the plus strand (C>G on the coding strand, the complement: PTCH1 is on the minus strand). VCF-style: chr9-95458284-G-C. GRCh37 (hg19) VCF-style: chr9-98220566-G-C.
Other names: c.2699C>G, p.Ala900Gly (NM_001083602.3); c.2894C>G, p.Ala965Gly (NM_001083603.3); c.2444C>G, p.Ala815Gly (NM_001083604.3, NM_001083605.3, NM_001083606.3 and 1 more transcripts); c.2741C>G, p.Ala914Gly (NM_001354918.2); short protein forms A815G, A900G, A914G, A965G, A966G.
Identifiers: ClinVar variation 1720752 (VCV001720752.7), dbSNP rs1381484167, ClinGen allele CA374112832.